The following is an entry in ClinVar:

NM_016642.4(SPTBN5):c.4293A>G (p.Ala1431=)

Gene: SPTBN5 (spectrin beta, non-erythrocytic 5; minus strand). Cytogenetic location: 15q15.1.
Variant type: single nucleotide variant.
Coding change: c.4293A>G on transcript NM_016642.4 (MANE Select); coding-DNA position 4293, A replaced by G.
Protein change: p.Ala1431=; no amino-acid change (alanine 1431 retained).
Molecular consequence: synonymous variant.
Genome position (GRCh38, 1-based): chr15:41,875,051, T>C on the plus strand (A>G on the coding strand, the complement: SPTBN5 is on the minus strand). VCF-style: chr15-41875051-T-C. GRCh37 (hg19) VCF-style: chr15-42167249-T-C.
Identifiers: ClinVar variation 774938 (VCV000774938.29), dbSNP rs62002142, ClinGen allele CA7503294.

ClinVar aggregate classification (germline): Benign/Likely benign. Review status: criteria provided, multiple submitters, no conflicts (2 of 4 stars). 3 submissions from 3 submitters: Benign (2); Likely benign (1). Last evaluated 2023-03-01.

Allele frequency attached by ClinVar (database versions not stated): 1000 Genomes Project 30x 0.00187; 1000 Genomes Project 0.00240; TOPMed 0.00267; gnomAD 0.00372 and 0.00376; ESP Exome Variant Server 0.00388; gnomAD exomes 0.00424; ExAC 0.00471.
gnomAD v4.1: 7,085 of 1,610,508 alleles (0.44%); highest among the groups gnomAD compares: Middle Eastern, 0.58%; 33 homozygotes.

Submissions (3):

CeGaT Center for Human Genetics Tuebingen
Classification: Likely benign. Last evaluated: 2023-03-01. Review status: criteria provided, single submitter. Criteria: CeGaT Center For Human Genetics Tuebingen Variant Classification Criteria Version 2. Collection method: clinical testing. Allele origin: germline. Affected: yes. Observed: 2 variant alleles.
Comment: SPTBN5: BP4, BP7, BS2

Labcorp Genetics (formerly Invitae), Labcorp
Classification: Benign. Last evaluated: 2019-12-31. Review status: criteria provided, single submitter. Criteria: Invitae Variant Classification Sherloc (09022015). Collection method: clinical testing. Allele origin: germline.

Breakthrough Genomics
Classification: Benign. Review status: criteria provided, single submitter. Criteria: ACMG Guidelines, 2015. Collection method: not provided. Allele origin: germline. Inheritance: Unknown mechanism. Affected: yes.